The following is an entry in ClinVar:

ClinVar aggregate classification (germline): Uncertain significance. Review status: criteria provided, multiple submitters, no conflicts (2 of 4 stars). 2 submissions from 2 submitters: Uncertain significance (2). Last evaluated 2022-06-05.

Conditions:
Congenital myasthenic syndrome 5. Identifiers: Orphanet 590, MedGen C1864233, MONDO:0011281, OMIM 603034.

Allele frequency attached by ClinVar (database versions not stated): ExAC 0.00001; gnomAD exomes 0.00001; TOPMed 0.00002; gnomAD 0.00004; 1000 Genomes Project 30x 0.00016; 1000 Genomes Project 0.00020.

Submissions (2):

Labcorp Genetics (formerly Invitae), Labcorp
Classification: Uncertain significance for Congenital myasthenic syndrome 5. Last evaluated: 2022-06-05. Review status: criteria provided, single submitter. Criteria: Invitae Variant Classification Sherloc (09022015). Collection method: clinical testing. Allele origin: germline.
Comment: This sequence change replaces proline, which is neutral and non-polar, with leucine, which is neutral and non-polar, at codon 250 of the COLQ protein (p.Pro250Leu). This variant is present in population databases (rs200479277, gnomAD 0.01%). This variant has not been reported in the literature in individuals affected with COLQ-related conditions. ClinVar contains an entry for this variant (Variation ID: 1355019). Algorithms developed to predict the effect of missense changes on protein structure and function are either unavailable or do not agree on the potential impact of this missense change (SIFT: "Deleterious"; PolyPhen-2: "Not Available"; Align-GVGD: "Class C65"). In summary, the available evidence is currently insufficient to determine the role of this variant in disease. Therefore, it has been classified as a Variant of Uncertain Significance.

Revvity Omics, Revvity
Classification: Uncertain significance for Congenital myasthenic syndrome 5. Last evaluated: 2019-07-19. Review status: criteria provided, single submitter. Criteria: ACMG Guidelines, 2015. Collection method: clinical testing. Allele origin: germline.

NM_005677.4(COLQ):c.749C>T (p.Pro250Leu)

Gene: COLQ (collagen like tail subunit of asymmetric acetylcholinesterase; minus strand). Cytogenetic location: 3p25.1.
Variant type: single nucleotide variant.
Coding change: c.749C>T on transcript NM_005677.4 (MANE Select); coding-DNA position 749, C replaced by T.
Protein change: p.Pro250Leu; replaces proline 250 with leucine.
Molecular consequence: missense variant.
Genome position (GRCh38, 1-based): chr3:15,466,406, G>A on the plus strand (C>T on the coding strand, the complement: COLQ is on the minus strand). VCF-style: chr3-15466406-G-A. GRCh37 (hg19) VCF-style: chr3-15507913-G-A.
Other names: c.749C>T (NM_005677.3); c.719C>T, p.Pro240Leu (NM_080538.2); c.647C>T, p.Pro216Leu (NM_080539.4); short protein forms P216L, P240L, P250L.
Identifiers: ClinVar variation 1355019 (VCV001355019.5), dbSNP rs200479277, ClinGen allele CA2275979.